The following is an entry in ClinVar:

ClinVar aggregate classification (germline): Likely pathogenic (1 of 4 stars; one submission).

Conditions:
Sudden unexplained death in childhood. Identifiers: MedGen C3827273, MONDO:1010117.

Submission:

Robert's Program, Boston Children's Hospital
Classification: Likely pathogenic for Sudden unexplained death in childhood. Last evaluated: 2021-10-01. Review status: criteria provided, single submitter. Criteria: ACMG Guidelines, 2015. Collection method: research. Allele origin: germline. Affected: yes.
Comment: We classify this variant as pathogenic using the following ACMG/AMP criteria: PS2, PM2

NM_198904.4(GABRG2):c.327+1G>A

Gene: GABRG2 (gamma-aminobutyric acid type A receptor subunit gamma2; plus strand). Cytogenetic location: 5q34.
Variant type: single nucleotide variant.
Coding change: c.327+1G>A on transcript NM_198904.4 (MANE Select); the canonical splice donor site of the intron after coding-DNA position 327, G replaced by A.
Molecular consequence: splice donor variant.
Genome position (GRCh38, 1-based): chr5:162,095,563, G>A. VCF-style: chr5-162095563-G-A. GRCh37 (hg19) VCF-style: chr5-161522569-G-A.
Other names: c.42+1G>A (NM_001375349.1); c.327+1G>A (NM_001375343.1, NM_001375344.1, NM_001375340.1 and 4 more transcripts); c.-32+1G>A (NM_001375350.1, NM_001375348.1); c.318+1G>A (NM_001375339.1); c.261+1G>A (NM_001375346.1, NM_001375345.1); c.240+1G>A (NM_001375347.1).
Identifiers: ClinVar variation 1327139 (VCV001327139.2), dbSNP rs2113309482, ClinGen allele CA362183524.
Genomic context (GRCh38, chr5:162,095,563, plus strand): 5'-ACGTTAATTCACACAGACATGTATGTGAATAGCATTGGTCCAGTGAACGCTATCAATATG[G>A]TGAGTTTCCAAATAAAATTCTTTGTCTGTTTTATTAGCATGTTTGAGAGAAAATGTGATG-3'